The following is an entry in ClinVar:

ClinVar aggregate classification (germline): Uncertain significance (1 of 4 stars; one submission).

Submission:

Labcorp Genetics (formerly Invitae), Labcorp
Classification: Uncertain significance. Last evaluated: 2025-11-22. Review status: criteria provided, single submitter. Criteria: Invitae Variant Classification Sherloc (09022015). Collection method: clinical testing. Allele origin: germline.
Comment: This sequence change affects codon 443 of the MMP9 mRNA. It is a 'silent' change, meaning that it does not change the encoded amino acid sequence of the MMP9 protein. It affects a nucleotide within the consensus splice site. This variant is present in population databases (rs202085481, gnomAD 0.005%). This variant has not been reported in the literature in individuals affected with MMP9-related conditions. Algorithms developed to predict the effect of sequence changes on RNA splicing suggest that this variant is not likely to affect RNA splicing. In summary, the available evidence is currently insufficient to determine the role of this variant in disease. Therefore, it has been classified as a Variant of Uncertain Significance.

NM_004994.3(MMP9):c.1329T>C (p.Tyr443=)

Gene: MMP9 (matrix metallopeptidase 9; plus strand). Cytogenetic location: 20q13.12.
Variant type: single nucleotide variant.
Coding change: c.1329T>C on transcript NM_004994.3 (MANE Select); coding-DNA position 1329, T replaced by C.
Protein change: p.Tyr443=; no amino-acid change (tyrosine 443 retained).
Molecular consequence: synonymous variant.
Genome position (GRCh38, 1-based): chr20:46,012,581, T>C. VCF-style: chr20-46012581-T-C. GRCh37 (hg19) VCF-style: chr20-44641220-T-C.
Identifiers: ClinVar variation 4697355 (VCV004697355.1).